The following continues an entry in ClinVar:

NM_000057.4(BLM):c.1642C>T (p.Gln548Ter)

Gene: BLM. ClinVar aggregate classification (germline): Pathogenic. Pathogenic (28).

Submissions 15 to 24 of 35:

Quest Diagnostics Nichols Institute San Juan Capistrano
Classification: Pathogenic. Last evaluated: 2022-10-28. Review status: criteria provided, single submitter. Criteria: Quest Diagnostics criteria. Collection method: clinical testing. Allele origin: unknown.
Comment: This nonsense variant causes the premature termination of BLM protein synthesis. The frequency of this variant in the general population, 0.000339 (43/126942 chromosomes), is consistent with pathogenicity. In the published literature, the variant has been reported in individuals with breast cancer (PMID: 26822949 (2016), 25399228 (2014)), ovarian cancer (PMID: 25182961 (2015)), prostate cancer (PMID: 32923906 (2020), 24096176 (2013)), and colorectal cancer (PMID: 26358404 (2015)). The variant has been detected in individuals with Bloom Syndrome where individuals were compound heterozygous for the variant and a BLM pathogenic or likely pathogenic variant (PMID: 28611551 (2017), 26340805 (2016), 17407155 (2005). In addition, this variant has been reported as a Slavic founder mutation in individuals with breast cancer (PMID: 23225144 (2013), 21815139 (2012)). Based on the available information, this variant is classified as pathogenic.

GeneDx
Classification: Pathogenic. Last evaluated: 2022-07-08. Review status: criteria provided, single submitter. Criteria: GeneDx Variant Classification Process June 2021. Collection method: clinical testing. Allele origin: germline. Affected: yes.
Comment: Nonsense variant predicted to result in protein truncation or nonsense mediated decay in a gene for which loss-of-function is a known mechanism of disease; This variant is associated with the following publications: (PMID: 30426508, 29506128, 26689913, 29625052, 26822949, 27153395, 29478780, 25399228, 24096176, 27798748, 23225144, 25410042, 21815139, 25525159, 17407155, 20301572, 26778106, 27597923, 26960971, 28611551, 31159747, 31614901, 31589614, 31937788, 33832920, 33777104, 33219493, 23552953, 32655338)

Victorian Clinical Genetics Services, Murdoch Childrens Research Institute
Classification: Pathogenic for Bloom syndrome. Last evaluated: 2022-06-24. Review status: criteria provided, single submitter. Criteria: ACMG Guidelines, 2015. Collection method: clinical testing. Allele origin: germline. Inheritance: Autosomal recessive inheritance. Affected: yes.
Comment: Based on the classification scheme VCGS_Germline_v1.3.4, this variant is classified as Pathogenic. Following criteria are met: 0102 - Loss of function is a known mechanism of disease in this gene and is associated with Bloom syndrome (MIM#210900). (I) 0106 - This gene is associated with autosomal recessive disease. (I) 0201 - Variant is predicted to cause nonsense-mediated decay (NMD) and loss of protein (premature termination codon is located at least 54 nucleotides upstream of the final exon-exon junction). (SP) 0251 - This variant is heterozygous. (I) 0304 - Variant is present in gnomAD (v2) <0.01 for a recessive condition (46 heterozygotes, 0 homozygotes). (SP) 0701 - Other NMD predicted variants comparable to the one identified in this case have very strong previous evidence for pathogenicity (DECIPHER). (SP) 0801 - This variant has strong previous evidence of pathogenicity in unrelated individuals. This variant has been observed in many individuals with Bloom syndrome in a homozygous or compound heterozygous state (ClinVar, PMIDs: 28611551, 32655338). (I) Legend: (SP) - Supporting pathogenic, (I) - Information, (SB) - Supporting benign

Sema4
Classification: Pathogenic for Hereditary cancer-predisposing syndrome. Last evaluated: 2021-02-13. Review status: criteria provided, single submitter. Criteria: Sema4 Curation Guidelines. Collection method: curation. Allele origin: germline.
Comment: The BLM c.1642C>T (p.Q548X) variant has been reported as homozygous and compound heterozygous in individuals with Bloom syndrome (PMID: 17407155, 26340805). It was also reported in prostate cancer, breast cancer, ovarian cancer and colon cancer cases (PMID: 24096176, 26358404, 23225144, 25182961). A meta-analysis study has estimated the risk of breast cancer in carriers of this variant to be two to five times higher (PMID: 23225144), however another study did not identify a statistically significant difference in observations among non-selected breast cancer cases and healthy controls (PMID: 25399228). This variant is a founder variant in the Slavic population (PMID: 24096176, 25182961). This nonsense variant creates a premature stop codon at residue 548 of the BLM protein. At this location, this is predicted to cause nonsense-mediated decay and result in an absent protein (loss of function). Loss of function variants in BLM are known to be pathogenic (PMID: 28232778). This variant was observed in 43/126942 chromosomes in the Non-Finnish European population, with no homozygotes, according to the Genome Aggregation Database (PMID: 27535533). Based on the current evidence available, this variant is interpreted as pathogenic.

Laboratory for Molecular Medicine, Mass General Brigham Personalized Medicine
Classification: Pathogenic for Bloom syndrome. Last evaluated: 2020-06-28. Review status: criteria provided, single submitter. Criteria: LMM Criteria. Collection method: clinical testing. Allele origin: germline. Inheritance: Autosomal recessive inheritance. Observed: 1 variant allele.
Comment: The p.Gln548X variant in BLM has been reported in at least 5 individuals with Bloom syndrome (2 homozygotes and 3 compound heterozygotes) and segregated with disease in at least 2 affected relatives from 1 family (German 2007 PMID: 17407155, Vojtkova 2016 PMID: 26340805, Suspitsin 2017 PMID: 28611551). In the heterozygous state, this variant is associated with an increased risk for developing breast cancer, particularly in the Slavic population (Sokolenko 2012 PMID: 21815139, Prokofyeva 2013 PMID: 23225144), although another study does not support its role as a susceptibility factor in breast cancer (Asiminenko 2014 PMID: 25399228). Additionally, this variant has also been reported by other clinical laboratories in ClinVar (Variation ID 127478) and has also been identified in 0.03% (43/126942) of European chromosomes by gnomAD. However, this frequency is low enough to be consistent with a recessive allele frequency. This nonsense variant leads to a premature termination codon at position 548, which is predicted to lead to a truncated or absent protein. Loss of function of the BLM gene is an established disease mechanism in autosomal recessive Bloom syndrome. In summary, this variant meets criteria to be classified as pathogenic for autosomal recessive Bloom syndrome. ACMG/AMP Criteria applied: PVS1, PM3_Strong, PP1.

Department of Molecular Diagnostics, Institute of Oncology Ljubljana
Classification: Pathogenic for Bloom syndrome. Last evaluated: 2020-04-02. Review status: criteria provided, single submitter. Criteria: ACMG Guidelines, 2015. Collection method: clinical testing. Allele origin: germline. Affected: yes.

GeneKor MSA
Classification: Pathogenic for Hereditary cancer-predisposing syndrome. Last evaluated: 2020-01-01. Review status: criteria provided, single submitter. Criteria: ACMG Guidelines, 2015. Collection method: clinical testing. Allele origin: germline. Affected: yes.
Comment: This is a nonsense variant that creates a premature stop signal at codon 548 of the BLM protein. It is expected to result in an absent or disrupted protein product. This variant is a common founder mutation among Slavik populations, reported in up to 1% of breast cancer cases in Russia (PMID: 21815139). A meta-analysis study of this mutation has estimated the risk of breast cancer in carriers of this variant to be two to five times higher (PMID: 23225144).

Myriad Genetics, Inc.
Classification: Pathogenic for Bloom syndrome. Last evaluated: 2019-12-20. Review status: criteria provided, single submitter. Criteria: Myriad Women's Health Autosomal Recessive and X-Linked Classification Criteria (2019). Collection method: clinical testing. Allele origin: unknown.
Comment: NM_000057.3(BLM):c.1642C>T(Q548*) is classified as pathogenic in the context of Bloom syndrome. Sources cited for classification include the following: PMID 17407155 and 28611551. Classification of NM_000057.3(BLM):c.1642C>T(Q548*) is based on the following criteria: The variant causes a premature termination codon that is expected to be targeted by nonsense-mediated mRNA decay and is reported in individuals with the relevant phenotype. Please note: this variant was assessed in the context of healthy population screening.

Revvity Omics, Revvity
Classification: Pathogenic for Bloom syndrome. Last evaluated: 2019-01-07. Review status: criteria provided, single submitter. Criteria: ACMG Guidelines, 2015. Collection method: clinical testing. Allele origin: germline.

Broad Center for Mendelian Genomics, Broad Institute of MIT and Harvard
Classification: Pathogenic for Bloom syndrome. Last evaluated: 2018-12-03. Review status: criteria provided, single submitter. Criteria: ACMG Guidelines, 2015. Collection method: research. Allele origin: germline. Inheritance: Autosomal recessive inheritance. Affected: yes.
Comment: This variant has been identified in 0.03294% (41/124452) of European (non-Finnish) chromosomes by the Genome Aggregation Databse (gnomAD; dbSNP rs200389141). Although this variant has been seen in the general population, its frequency is low enough to be consistent with a recessive carrier frequency. This variant has been reported in the literature in the compound heterozygous state, with at least one variant reported pathogenic or likely pathogenic in ClinVar (Variation ID: 127491), in at least three individuals with Bloom syndrome (PMID: 17407155, 23552953). This nonsense variant leads to a premature termination codon at position 548, which is predicted to lead to a truncated or absent protein. Loss of function of the BLM gene is an established disease mechanism for autosomal recessive Bloom syndrome, and this is a loss of function variant. This variant has been reported pathogenic in ClinVar (Variation ID: 127478). In summary, the p.Gln548Ter variant is pathogenic. ACMG/AMP Criteria applied: PM2, PM3, PVS1 (Richards 2015).